The following is an entry in ClinVar:

ClinVar aggregate classification (germline): Benign. Review status: reviewed by expert panel (3 of 4 stars). 39 submissions from 38 submitters: Benign (1). 38 of the submissions do not count toward it. Last evaluated 2015-08-10.

Conditions:
BRCA1-related cancer predisposition. Identifiers: MedGen CN377757, MONDO:0700268.
Hereditary cancer-predisposing syndrome. Also called: Tumor predisposition; Neoplastic Syndromes, Hereditary; Hereditary Cancer Syndrome; Hereditary neoplastic syndrome. Identifiers: Orphanet 140162, MedGen C0027672, MeSH D009386, MONDO:0015356.
Breast and/or ovarian cancer. Identifiers: MedGen CN221562.
Hereditary breast ovarian cancer syndrome. Also called: Hereditary breast and ovarian cancer syndrome; Hereditary breast and ovarian cancer; Hereditary breast and ovarian cancer syndrome (HBOC); Hereditary breast and/or ovarian cancer syndrome; Breast and ovarian cancer; BRCA1- and BRCA2-Associated Hereditary Breast and Ovarian Cancer. Identifiers: Orphanet 145, MedGen C0677776, MeSH D061325, MONDO:0003582. Disease mechanism: loss of function.
Breast-ovarian cancer, familial, susceptibility to, 1 (BROVCA1). Also called: BRCA1 Hereditary Breast and Ovarian Cancer; OVARIAN CANCER, SUSCEPTIBILITY TO. Identifiers: Orphanet 145, MedGen C2676676, MONDO:0011450, OMIM 604370. Disease mechanism: loss of function.
Malignant tumor of breast. Also called: Cancer breast; Malignant breast neoplasm. Identifiers: MedGen C0006142, MONDO:0007254. Disease mechanism: loss of function.

Allele frequency attached by ClinVar (database versions not stated): gnomAD exomes 0.00045; ExAC 0.00047; TOPMed 0.00047; gnomAD 0.00054 and 0.00060; ESP Exome Variant Server 0.00062.
gnomAD v4.1: 1,078 of 1,613,824 alleles (0.067%); highest among the groups gnomAD compares: Non-Finnish European, 0.086%; 1 homozygote.

Submissions 1 to 17 of 39:

Evidence-based Network for the Interpretation of Germline Mutant Alleles (ENIGMA)
Classification: Benign for Breast-ovarian cancer, familial 1. Last evaluated: 2015-08-10. Review status: reviewed by expert panel. Criteria: ENIGMA BRCA1/2 Classification Criteria (2015). Collection method: curation. Allele origin: germline.
Comment: IARC class based on posterior probability from multifactorial likelihood analysis, thresholds for class as per Plon et al. 2008 (PMID: 18951446). Class 1 based on posterior probability = 0.00000188

Institute for Biomarker Research, Medical Diagnostic Laboratories, L.L.C.
Classification: Benign for Hereditary breast ovarian cancer syndrome. Last evaluated: 2026-03-02. Review status: criteria provided, single submitter. Criteria: ACMG Guidelines, 2015. Collection method: clinical testing. Allele origin: germline. Not counted in ClinVar's aggregate classification.
Comment: The missense variant NM_007294.4(BRCA1):c.1487G>A (p.Arg496His) has been reported to ClinVar as Benign with a status of (3 stars) reviewed by expert panel (Accession: VCV000041805.109). There is a small physicochemical difference between arginine and histidine, which is not likely to impact secondary protein structure as these residues share similar properties. The p.Arg496His missense variant is predicted to be tolerated by both SIFT or PolyPhen2. The histidine residue at codon 496 of BRCA1 is present in Marmoset and 15 other mammalian species. The nucleotide c.1487 in BRCA1 is not conserved according to a GERP++ and PhyloP analysis of 100 vertebrates. For these reasons, this variant has been classified as Benign.

CeGaT Center for Human Genetics Tuebingen
Classification: Likely benign. Last evaluated: 2026-03-01. Review status: criteria provided, single submitter. Criteria: CeGaT Center For Human Genetics Tuebingen Variant Classification Criteria Version 2. Collection method: clinical testing. Allele origin: germline. Affected: yes. Observed: 11 variant alleles. Not counted in ClinVar's aggregate classification.
Comment: BRCA1: BP1, BP4

Labcorp Genetics (formerly Invitae), Labcorp
Classification: Benign for Hereditary breast ovarian cancer syndrome. Last evaluated: 2026-02-03. Review status: criteria provided, single submitter. Criteria: Invitae Variant Classification Sherloc (09022015). Collection method: clinical testing. Allele origin: germline. Not counted in ClinVar's aggregate classification.

Dasa
Classification: Benign for Breast-ovarian cancer, familial, susceptibility to, 1. Last evaluated: 2025-12-19. Review status: criteria provided, single submitter. Criteria: DASA Assertion Criteria. Collection method: clinical testing. Allele origin: germline. Not counted in ClinVar's aggregate classification.
Comment: NM_007294.4(BRCA1):c.1487G>A (p.Arg496His) is a missense variant that results in the substitution of arginine with histidine. Observations in unaffected individuals support a benign interpretation, and functional evidence is consistent with no deleterious impact on the gene or gene product. Therefore, based on the currently available evidence, this variant is classified as benign.

ARUP Laboratories, Molecular Genetics and Genomics, ARUP Laboratories
Classification: Benign. Last evaluated: 2025-07-21. Review status: criteria provided, single submitter. Criteria: ARUP Molecular Germline Variant Investigation Process 2024. Collection method: clinical testing. Allele origin: germline. Not counted in ClinVar's aggregate classification.

Laboratorio de I+D, Fundación Centro Médico de Asturias
Classification: Likely benign for Hereditary cancer-predisposing syndrome. Last evaluated: 2025-07-09. Review status: criteria provided, single submitter. Criteria: ACMG Guidelines, 2015. Collection method: clinical testing. Allele origin: germline. Not counted in ClinVar's aggregate classification.
Comment: BP4_Strong+BP1+PM2_Supporting

Center for Genomic Medicine, Rigshospitalet, Copenhagen University Hospital
Classification: Benign. Last evaluated: 2025-03-04. Review status: criteria provided, single submitter. Criteria: ACMG Guidelines, 2015. Collection method: clinical testing. Allele origin: germline. Not counted in ClinVar's aggregate classification.

Mayo Clinic Laboratories, Mayo Clinic
Classification: Benign. Last evaluated: 2025-02-03. Review status: criteria provided, single submitter. Criteria: ACMG Guidelines, 2015. Collection method: clinical testing. Allele origin: germline. Observed: 7 variant alleles. Not counted in ClinVar's aggregate classification.
Comment: BS1, BP1_strong, BP5_very_strong

Blueprint Genetics
Classification: Likely benign. Last evaluated: 2024-11-12. Review status: criteria provided, single submitter. Criteria: ACMG Guidelines, 2015. Collection method: clinical testing. Allele origin: germline. Not counted in ClinVar's aggregate classification.

All of Us Research Program, National Institutes of Health
Classification: Likely benign for BRCA1-related cancer predisposition. Last evaluated: 2024-09-27. Review status: criteria provided, single submitter. Criteria: ACMG Guidelines, 2015. Collection method: clinical testing. Allele origin: germline. Inheritance: Autosomal dominant inheritance. Observed: 189 variant alleles, 189 heterozygotes. Not counted in ClinVar's aggregate classification.
Comment: This study involves interpretation of variants in research participants for the purpose of population health screening. Participant phenotype was not available at the time of variant classification. Additional details can be found in publication PMID: 35346344, PMCID: PMC8962531

CHEO Genetics Diagnostic Laboratory, Children's Hospital of Eastern Ontario
Classification: Likely benign for Breast and/or ovarian cancer. Last evaluated: 2023-06-22. Review status: criteria provided, single submitter. Criteria: ACMG Guidelines, 2015. Collection method: clinical testing. Allele origin: germline. Not counted in ClinVar's aggregate classification.

National Health Laboratory Service, Universitas Academic Hospital and University of the Free State
Classification: Benign for Hereditary breast ovarian cancer syndrome. Last evaluated: 2022-04-19. Review status: criteria provided, single submitter. Criteria: ACMG Guidelines, 2015. Collection method: clinical testing. Allele origin: germline. Affected: yes. Observed: 2 variant alleles. Not counted in ClinVar's aggregate classification.

Genetics and Molecular Pathology, SA Pathology
Classification: Benign for Breast-ovarian cancer, familial, susceptibility to, 1. Last evaluated: 2021-05-28. Review status: criteria provided, single submitter. Criteria: ACMG Guidelines, 2015. Collection method: clinical testing. Allele origin: germline. Affected: yes. Not counted in ClinVar's aggregate classification.

Sema4
Classification: Likely benign for Hereditary cancer-predisposing syndrome. Last evaluated: 2021-05-27. Review status: criteria provided, single submitter. Criteria: Sema4 Curation Guidelines. Collection method: curation. Allele origin: germline. Not counted in ClinVar's aggregate classification.

Mendelics
Classification: Likely benign for Breast-ovarian cancer, familial, susceptibility to, 1. Last evaluated: 2019-05-28. Review status: criteria provided, single submitter. Criteria: Mendelics Assertion Criteria 2017. Collection method: clinical testing. Allele origin: unknown. Not counted in ClinVar's aggregate classification.

Illumina Laboratory Services, Illumina
Classification: Likely benign for Breast-ovarian cancer, familial, susceptibility to, 1. Last evaluated: 2018-07-10. Review status: criteria provided, single submitter. Criteria: ICSL Variant Classification Criteria 13 December 2019. Collection method: clinical testing. Allele origin: germline. Not counted in ClinVar's aggregate classification.
Comment: This variant was observed as part of a predisposition screen in an ostensibly healthy population. A literature search was performed for the gene, cDNA change, and amino acid change (where applicable). Publications were found based on this search. The evidence from the literature, in combination with allele frequency data from public databases where available, was sufficient to determine this variant is unlikely to cause disease. Therefore, this variant is classified as likely benign.

NM_007294.4(BRCA1):c.1487G>A (p.Arg496His)

Gene: BRCA1 (BRCA1 DNA repair associated; minus strand). Cytogenetic location: 17q21.31.
Variant type: single nucleotide variant.
Coding change: c.1487G>A on transcript NM_007294.4 (MANE Select); coding-DNA position 1487, G replaced by A.
Protein change: p.Arg496His; replaces arginine 496 with histidine.
Molecular consequence: missense variant. On other transcripts: intron variant (137).
Genome position (GRCh38, 1-based): chr17:43,094,044, C>T on the plus strand (G>A on the coding strand, the complement: BRCA1 is on the minus strand). VCF-style: chr17-43094044-C-T. GRCh37 (hg19) VCF-style: chr17-41246061-C-T.
Other names: p.R496H:CGT>CAT; 1606G>A; NP_009225.1:p.Arg496His; c.1406G>A, p.Arg469His (NM_001407661.1, NM_001407662.1, NM_001407659.1 and 1 more transcripts); c.1409G>A, p.Arg470His (NM_001407663.1, NM_001407656.1, NM_001407657.1 and 4 more transcripts); c.1364G>A, p.Arg455His (NM_001407664.1, NM_001407675.1, NM_001407676.1 and 19 more transcripts); c.1346G>A, p.Arg449His (NM_001407695.1, NM_001407696.1, NM_001407697.1 and 29 more transcripts); c.1343G>A, p.Arg448His (NM_001407740.1, NM_001407741.1, NM_001407742.1 and 20 more transcripts); and 43 more; short protein forms R496H, R449H, R385H, R408H, R425H, R428H, R495H, R328H.
Identifiers: ClinVar variation 41805 (VCV000041805.118), dbSNP rs28897677, ClinGen allele CA000997.
Genomic context (GRCh38, chr17:43,094,044, plus strand): 5'-TCCTCAGGATGAAGGCCTGATGTAGGTCTCCTTTTACGCTTTAATTTATTTGTGAGGGGA[C>T]GCTCTTGTATTATCTGTGGCTCAGTAACAAATGCTCCTATAATTAGATTTTCAGTTACAT-3'
Protein context (NP_009225.1, residues 486-506): FVTEPQIIQE[Arg496His]PLTNKLKRKR